The following is an entry in ClinVar:

ClinVar aggregate classification (germline): Likely pathogenic. Review status: reviewed by expert panel (3 of 4 stars). 5 submissions from 5 submitters: Likely pathogenic (1). 4 of the submissions do not count toward it. Last evaluated 2023-08-24.

Conditions:
CDH1-related diffuse gastric and lobular breast cancer syndrome. Also called: CDH1-related diffuse gastric and lobular breast cancer. Identifiers: MedGen CN311521, MONDO:0100488.
Hereditary cancer-predisposing syndrome. Also called: Tumor predisposition; Neoplastic Syndromes, Hereditary; Hereditary Cancer Syndrome; Hereditary neoplastic syndrome. Identifiers: Orphanet 140162, MedGen C0027672, MeSH D009386, MONDO:0015356.
Hereditary diffuse gastric adenocarcinoma (HDGC). Also called: DIFFUSE GASTRIC AND LOBULAR BREAST CANCER SYNDROME. Identifiers: Orphanet 26106, MedGen C1708349, MONDO:0007648, OMIM 137215.

Submissions (5):

Clingen Gastric Cancer Variant Curation Expert Panel
Classification: Likely pathogenic for CDH1-related diffuse gastric and lobular breast cancer syndrome. Last evaluated: 2023-08-24. Review status: reviewed by expert panel. Criteria: ClinGen CDH1 ACMG Specifications V3.1. Collection method: curation. Allele origin: germline. Inheritance: Autosomal dominant inheritance.
Comment: The c.1008+2T>C variant occurs at the canonical splice donor site of exon 7 and is predicted to result in a truncated or absent protein (PVS1_strong, PM5_Supporting). This variant is absent from populations in gnomAD (PM2_Supporting). In addition, this variant has been identified in one family meeting IGCLC criteria for HDGC (PS4_supporting; SCV000545440.4). Although functional studies have not been reported for this variant, CDH1 c.1008G>T (p.Glu336Asp), affecting the last nucleotide in exon 7, has been shown to result in abnormal splicing (PMID: 31642931). In summary, this variant meets criteria to be classified as likely pathogenic based on ACMG/AMP criteria as specified by the CDH1 Variant Curation Expert Panel (Variant Interpretation Guidelines Version 3.1): PVS1_strong, PM2_Supporting, PS4_supporting, PM5_Supporting.

Myriad Genetics, Inc.
Classification: Likely pathogenic for Hereditary diffuse gastric adenocarcinoma. Last evaluated: 2025-03-17. Review status: criteria provided, single submitter. Criteria: Myriad Autosomal Dominant, Autosomal Recessive and X-Linked Classification Criteria (2023). Collection method: clinical testing. Allele origin: unknown. Not counted in ClinVar's aggregate classification.
Comment: This variant is considered likely pathogenic. This variant occurs within a consensus splice junction and is predicted to result in abnormal mRNA splicing of either an out-of-frame exon or an in-frame exon necessary for protein stability and/or normal function.

Ambry Genetics
Classification: Likely pathogenic for Hereditary cancer-predisposing syndrome. Last evaluated: 2025-03-10. Review status: criteria provided, single submitter. Criteria: Ambry Variant Classification Scheme 2023. Collection method: clinical testing. Allele origin: germline. Not counted in ClinVar's aggregate classification.
Comment: The c.1008+2T>C intronic variant results from a T to C substitution two nucleotides after coding exon 7 in the CDH1 gene. This variant was reported in individual(s) with features consistent with CDH1-related diffuse gastric and lobular breast cancer (DGLBC). This variant is considered to be rare based on population cohorts in the Genome Aggregation Database (gnomAD). This nucleotide position is highly conserved in available vertebrate species. In silico splice site analysis predicts that this alteration will weaken the native splice donor site. Alterations that disrupt the canonical splice site are expected to cause aberrant splicing, resulting in an abnormal protein or a transcript that is subject to nonsense-mediated mRNA decay. As such, this alteration is classified as likely pathogenic.

Labcorp Genetics (formerly Invitae), Labcorp
Classification: Likely pathogenic for Hereditary diffuse gastric adenocarcinoma. Last evaluated: 2022-06-07. Review status: criteria provided, single submitter. Criteria: Invitae Variant Classification Sherloc (09022015). Collection method: clinical testing. Allele origin: germline. Not counted in ClinVar's aggregate classification.
Comment: In summary, the currently available evidence indicates that the variant is pathogenic, but additional data are needed to prove that conclusively. Therefore, this variant has been classified as Likely Pathogenic. Studies have shown that disruption of this splice site results in activation of a cryptic splice site and introduces a premature termination codon (Invitae). The resulting mRNA is expected to undergo nonsense-mediated decay. This sequence change affects a donor splice site in intron 7 of the CDH1 gene. RNA analysis indicates that disruption of this splice site induces altered splicing and may result in an absent or disrupted protein product. This variant is not present in population databases (gnomAD no frequency). This variant has not been reported in the literature in individuals affected with CDH1-related conditions. ClinVar contains an entry for this variant (Variation ID: 406652).

Color Diagnostics, LLC DBA Color Health
Classification: Likely pathogenic for Hereditary cancer-predisposing syndrome. Last evaluated: 2020-08-03. Review status: criteria provided, single submitter. Criteria: ACMG Guidelines, 2015. Collection method: clinical testing. Allele origin: germline. Not counted in ClinVar's aggregate classification.
Comment: This variant causes a T to C nucleotide substitution at the +2 position of intron 7 of the CDH1 gene. Splice site prediction tools predict that this variant may have a significant impact on RNA splicing. To our knowledge, functional studies have not been reported for this variant. This variant has not been reported in individuals affected with hereditary cancer in the literature. This variant has not been identified in the general population by the Genome Aggregation Database (gnomAD). Loss of CDH1 function is a known mechanism of disease. Based on the available evidence, this variant is classified as Likely Pathogenic.

Literature cited by the submitters: PubMed 34949788 (cited by Ambry Genetics).

NM_004360.5(CDH1):c.1008+2T>C

Gene: CDH1 (cadherin 1; plus strand). Cytogenetic location: 16q22.1.
Variant type: single nucleotide variant.
Coding change: c.1008+2T>C on transcript NM_004360.5 (MANE Select); the canonical splice donor site of the intron after coding-DNA position 1008, T replaced by C.
Molecular consequence: splice donor variant.
Genome position (GRCh38, 1-based): chr16:68,811,861, T>C. VCF-style: chr16-68811861-T-C. GRCh37 (hg19) VCF-style: chr16-68845764-T-C.
Other names: c.-608+2T>C (NM_001317185.2); c.-812+2T>C (NM_001317186.2); c.1008+2T>C (NM_001317184.2).
Identifiers: ClinVar variation 406652 (VCV000406652.15), dbSNP rs1060501237, ClinGen allele CA16615376.